The following is an entry in ClinVar:

NM_005186.4(CAPN1):c.526G>A (p.Val176Met)

Gene: CAPN1 (calpain 1; plus strand). Cytogenetic location: 11q13.1.
Variant type: single nucleotide variant.
Coding change: c.526G>A on transcript NM_005186.4 (MANE Select); coding-DNA position 526, G replaced by A.
Protein change: p.Val176Met; replaces valine 176 with methionine.
Molecular consequence: missense variant. On other transcripts: non-coding transcript variant (1).
Genome position (GRCh38, 1-based): chr11:65,185,986, G>A. VCF-style: chr11-65185986-G-A. GRCh37 (hg19) VCF-style: chr11-64953457-G-A.
Other names: c.526G>A, p.Val176Met (NM_001198868.2, NM_001198869.2); short protein forms V176M.
Identifiers: ClinVar variation 3383857 (VCV003383857.1).

ClinVar aggregate classification (germline): Uncertain significance (1 of 4 stars; one submission).

gnomAD v4.1: 9 of 1,606,346 alleles (0.00056%); highest among the groups gnomAD compares: Non-Finnish European, 0.00076%; no homozygotes.

Submission:

GeneDx
Classification: Uncertain significance. Last evaluated: 2024-05-30. Review status: criteria provided, single submitter. Criteria: GeneDx Variant Classification Process June 2021. Collection method: clinical testing. Allele origin: germline. Affected: yes.
Comment: Not observed at significant frequency in large population cohorts (gnomAD); In silico analysis indicates that this missense variant does not alter protein structure/function; Has not been previously published as pathogenic or benign to our knowledge